The following is an entry in ClinVar:

ClinVar aggregate classification (germline): Uncertain significance. Review status: criteria provided, multiple submitters, no conflicts (2 of 4 stars). 3 submissions from 3 submitters: Uncertain significance (3). Last evaluated 2026-01-26.

Conditions:
GUCY2D-related disorder. Also called: GUCY2D-related condition.
Cone-rod dystrophy 6 (CORD6). Also called: RETINAL CONE DYSTROPHY 2; Cone dystrophy progressive. Identifiers: Orphanet 1872, MedGen C1866293, MONDO:0011143, OMIM 601777.
Leber congenital amaurosis 1 (LCA1). Also called: RETINAL BLINDNESS, CONGENITAL; AMAUROSIS CONGENITA OF LEBER I; Congenital absence of the rods and cones; Leber's congenital tapetoretinal degeneration; Leber's congenital tapetoretinal dysplasia. Identifiers: Orphanet 65, MedGen C2931258, MONDO:0008764, OMIM 204000.

Allele frequency attached by ClinVar (database versions not stated): gnomAD 0.00010 and 0.00011; ESP Exome Variant Server 0.00008; TOPMed 0.00009.
gnomAD v4.1: 260 of 1,570,284 alleles (0.017%); highest among the groups gnomAD compares: Non-Finnish European, 0.019%; no homozygotes.

Submissions (3):

Labcorp Genetics (formerly Invitae), Labcorp
Classification: Uncertain significance for Leber congenital amaurosis 1; Cone-rod dystrophy 6. Last evaluated: 2026-01-26. Review status: criteria provided, single submitter. Criteria: Invitae Variant Classification Sherloc (09022015). Collection method: clinical testing. Allele origin: germline.
Comment: This sequence change replaces glycine, which is neutral and non-polar, with arginine, which is basic and polar, at codon 1080 of the GUCY2D protein (p.Gly1080Arg). This variant is present in population databases (rs371919912, gnomAD 0.02%). This variant has not been reported in the literature in individuals affected with GUCY2D-related conditions. ClinVar contains an entry for this variant (Variation ID: 965924). Invitae Evidence Modeling of protein sequence and biophysical properties (such as structural, functional, and spatial information, amino acid conservation, physicochemical variation, residue mobility, and thermodynamic stability) indicates that this missense variant is not expected to disrupt GUCY2D protein function with a negative predictive value of 80%. In summary, the available evidence is currently insufficient to determine the role of this variant in disease. Therefore, it has been classified as a Variant of Uncertain Significance.

PreventionGenetics, part of Exact Sciences
Classification: Uncertain significance for GUCY2D-related condition. Last evaluated: 2025-11-04. Review status: criteria provided, single submitter. Criteria: ACMG Guidelines, 2015. Collection method: clinical testing. Allele origin: germline.
Comment: The GUCY2D c.3238G>C variant is predicted to result in the amino acid substitution p.Gly1080Arg. To our knowledge, this variant has not been reported in the literature. This variant is reported in 0.021% of alleles in individuals of European (Non-Finnish) descent in gnomAD. Another variant affecting the same amino acid position, c.3238G>A, p.(Gly1080Ser), has been reported in an individual with retinitis pigmentosa (Table S4, Liu et al. 2020. PubMed ID: 33090715). At this time, the clinical significance of this c.3238G>C, p.(Gly1080Arg) variant is uncertain due to the absence of conclusive functional and genetic evidence.

Blueprint Genetics
Classification: Uncertain significance. Last evaluated: 2022-06-29. Review status: criteria provided, single submitter. Criteria: ACMG Guidelines, 2015. Collection method: clinical testing. Allele origin: germline.

NM_000180.4(GUCY2D):c.3238G>C (p.Gly1080Arg)

Gene: GUCY2D (guanylate cyclase 2D, retinal; plus strand). Cytogenetic location: 17p13.1.
Variant type: single nucleotide variant.
Coding change: c.3238G>C on transcript NM_000180.4 (MANE Select); coding-DNA position 3238, G replaced by C.
Protein change: p.Gly1080Arg; replaces glycine 1080 with arginine.
Molecular consequence: missense variant.
Genome position (GRCh38, 1-based): chr17:8,016,456, G>C. VCF-style: chr17-8016456-G-C. GRCh37 (hg19) VCF-style: chr17-7919774-G-C.
Other names: short protein forms G1080R.
Identifiers: ClinVar variation 965924 (VCV000965924.10), dbSNP rs371919912, ClinGen allele CA8366364.